The following is an entry in ClinVar:

ClinVar aggregate classification (germline): Conflicting classifications of pathogenicity. Review status: criteria provided, conflicting classifications (1 of 4 stars). 30 submissions from 30 submitters: Pathogenic (19); Likely pathogenic (3); Uncertain significance (1). 7 of the submissions do not count toward it. Last evaluated 2026-01-06.

Conditions:
Perrault syndrome. Also called: Gonadal dysgenesis with auditory dysfunction, autosomal recessive inheritance. Identifiers: Orphanet 2855, MedGen C0685838, MONDO:0017312.
Bifunctional peroxisomal enzyme deficiency (DBIF). Also called: DBP DEFICIENCY; PBFE DEFICIENCY; D-bifunctional protein deficiency. Identifiers: Orphanet 300, MedGen C0342870, MONDO:0009855, OMIM 261515. Disease mechanism: loss of function.
HSD17B4-related disorder. Also called: HSD17B4-related disorders; HSD17B4-related condition.
Perrault syndrome 1 (PRLTS1). Also called: GONADAL DYSGENESIS, XX TYPE, WITH DEAFNESS; OVARIAN DYSGENESIS WITH SENSORINEURAL DEAFNESS. Identifiers: Orphanet 2855, Orphanet 642945, MedGen C4551721, MONDO:0009300, OMIM 233400.

Allele frequency attached by ClinVar (database versions not stated): gnomAD 0.00017 and 0.00019; TOPMed 0.00017; gnomAD exomes 0.00020 and 0.00035; ExAC 0.00022.
gnomAD v4.1: 530 of 1,613,836 alleles (0.033%); highest among the groups gnomAD compares: Non-Finnish European, 0.043%; no homozygotes.

Submissions 1 to 12 of 30:

Labcorp Genetics (formerly Invitae), Labcorp
Classification: Pathogenic for Perrault syndrome; Bifunctional peroxisomal enzyme deficiency. Last evaluated: 2026-01-06. Review status: criteria provided, single submitter. Criteria: Invitae Variant Classification Sherloc (09022015). Collection method: clinical testing. Allele origin: germline.
Comment: This sequence change replaces glycine, which is neutral and non-polar, with serine, which is neutral and polar, at codon 16 of the HSD17B4 protein (p.Gly16Ser). This variant is present in population databases (rs137853096, gnomAD 0.04%). This missense change has been observed in individuals with D-bifunctional protein deficiency (PMID: 9482850, 16385454, 25967389). ClinVar contains an entry for this variant (Variation ID: 7655). Invitae Evidence Modeling of protein sequence and biophysical properties (such as structural, functional, and spatial information, amino acid conservation, physicochemical variation, residue mobility, and thermodynamic stability) indicates that this missense variant is expected to disrupt HSD17B4 protein function with a positive predictive value of 95%. Experimental studies have shown that this missense change affects HSD17B4 function (PMID: 9482850, 10419023, 10497229). For these reasons, this variant has been classified as Pathogenic.

Natera, Inc.
Classification: Pathogenic for Bifunctional peroxisomal enzyme deficiency. Last evaluated: 2025-09-30. Review status: criteria provided, single submitter. Criteria: Natera Variant Classification Schema (03/2026). Collection method: clinical testing. Allele origin: germline.
Comment: The c.46G>A variant in HSD17B4 is a missense variant predicted to cause substitution of glycine to serine at amino acid 16. This variant is rare in the general population with a frequency below the threshold expected for the associated phenotype(s). This variant has been observed in one or more individuals affected with the associated recessive disease, as either homozygous or compound heterozygous with a second variant (PMID: 9482850, 9915948, 16385454). Functional studies show that this variant may disrupt protein function (PMID: 9482850). Computational prediction algorithms indicate this variant is likely to affect gene or protein function. Given the available evidence, this variant is classified as Pathogenic.

CeGaT Center for Human Genetics Tuebingen
Classification: Pathogenic. Last evaluated: 2025-09-01. Review status: criteria provided, single submitter. Criteria: CeGaT Center For Human Genetics Tuebingen Variant Classification Criteria Version 2. Collection method: clinical testing. Allele origin: germline. Affected: yes. Observed: 4 variant alleles.
Comment: HSD17B4: PM3:Very Strong, PM2, PP3, PS3:Supporting

Dasa
Classification: Pathogenic. Last evaluated: 2025-01-29. Review status: criteria provided, single submitter. Criteria: DASA Assertion Criteria. Collection method: clinical testing. Allele origin: germline.
Comment: NM_000414.4(HSD17B4):c.46G>A (p.Gly16Ser) results in a glycine-to-serine substitution. Functional studies demonstrate a deleterious effect on the gene or gene product (PMID: 9482850, 10419023, 10497229). The variant has been observed in affected individuals with recessive disease in trans with another pathogenic variant and is present at low frequency in population datasets. Multiple computational predictions support a deleterious effect on the gene or gene product. Based on the available data, this variant is classified as pathogenic.

Blueprint Genetics
Classification: Pathogenic for HSD17B4-related disorders. Last evaluated: 2024-10-09. Review status: criteria provided, single submitter. Criteria: ACMG Guidelines, 2015. Collection method: clinical testing. Allele origin: germline. Affected: yes. Observed: 5 variant alleles.

Victorian Clinical Genetics Services, Murdoch Childrens Research Institute
Classification: Pathogenic for Bifunctional peroxisomal enzyme deficiency. Last evaluated: 2024-10-09. Review status: criteria provided, single submitter. Criteria: ACMG Guidelines, 2015. Collection method: clinical testing. Allele origin: germline. Inheritance: Autosomal recessive inheritance. Affected: yes.
Comment: Based on the classification scheme VCGS_Germline_v1.3.4, this variant is classified as Pathogenic. Following criteria are met: 0102 - Loss of function is a known mechanism of disease in this gene and is associated with D-bifunctional protein deficiency (MIM#261515) and Perrault syndrome 1 (MIM#233400). (I) 0106 - This gene is associated with autosomal recessive disease. (I) 0200 - Variant is predicted to result in a missense amino acid change from glycine to serine. (I) 0251 - This variant is heterozygous. (I) 0304 - Variant is present in gnomAD (v2) <0.01 for a recessive condition (57 heterozygotes, 0 homozygotes). (SP) 0501 - Missense variant consistently predicted to be damaging by multiple in silico tools or highly conserved with a major amino acid change. (SP) 0600 - Variant is located in the annotated short chain dehydrogenase domain (DECIPHER). (I) 0801 - This variant has strong previous evidence of pathogenicity in unrelated individuals. This variant has been classified as pathogenic and likely pathogenic by multiple clinical laboratories in ClinVar. This variant has also been previously described as pathogenic in multiple patients with D-bifunctional protein deficiency and Perrault syndrome (ClinVar, PMID: 9482850, 25967389, 26970254). (I) Legend: (SP) - Supporting pathogenic, (I) - Information, (SB) - Supporting benign

Baylor Genetics
Classification: Pathogenic for Bifunctional peroxisomal enzyme deficiency. Last evaluated: 2024-03-29. Review status: criteria provided, single submitter. Criteria: ACMG Guidelines, 2015. Collection method: clinical testing. Allele origin: unknown.

Fulgent Genetics
Classification: Pathogenic for Perrault syndrome 1; Bifunctional peroxisomal enzyme deficiency. Last evaluated: 2024-02-16. Review status: criteria provided, single submitter. Criteria: ACMG Guidelines, 2015. Collection method: clinical testing. Allele origin: germline.

GeneDx
Classification: Pathogenic. Last evaluated: 2023-09-01. Review status: criteria provided, single submitter. Criteria: GeneDx Variant Classification Process June 2021. Collection method: clinical testing. Allele origin: germline. Affected: yes.
Comment: Published functional studies demonstrate variant inactivates the 3-hydroxyacyl-CoA dehydrogenase component of the D-bifunctional protein (van Grunsven et al., 1998); In silico analysis, which includes protein predictors and evolutionary conservation, supports a deleterious effect; This variant is associated with the following publications: (PMID: 23308274, 11165012, 25967389, 10343282, 9482850, 26970254, 27290639, 27650058, 31980526, 34906502, 34426522, 34493867)

Institute of Human Genetics, University of Leipzig Medical Center
Classification: Pathogenic for Bifunctional peroxisomal enzyme deficiency. Last evaluated: 2023-05-03. Review status: criteria provided, single submitter. Criteria: ACMG Guidelines, 2015. Collection method: clinical testing. Allele origin: paternal. Inheritance: Autosomal recessive inheritance. Affected: yes.
Comment: Identified as compund heterozygous with NM_000414.4:c.53G>T. Criteria applied: PM3_VSTR,PM2_SUP,PP3

Revvity Omics, Revvity
Classification: Likely pathogenic. Last evaluated: 2023-03-30. Review status: criteria provided, single submitter. Criteria: ACMG Guidelines, 2015. Collection method: clinical testing. Allele origin: germline.

Institute for Medical Genetics and Human Genetics, Charité - Universitätsmedizin Berlin
Classification: Uncertain significance for Bifunctional peroxisomal enzyme deficiency. Last evaluated: 2022-09-22. Review status: criteria provided, single submitter. Criteria: ACMG Guidelines, 2015. Collection method: clinical testing. Allele origin: germline. Inheritance: Autosomal recessive inheritance. Affected: yes. Observed: 1 compound heterozygote.

NM_000414.4(HSD17B4):c.46G>A (p.Gly16Ser)

Genes: HSD17B4 (hydroxysteroid 17-beta dehydrogenase 4; plus strand), LOC129994460 (ATAC-STARR-seq lymphoblastoid active region 22989; plus strand). Cytogenetic location: 5q23.1.
Variant type: single nucleotide variant.
Coding change: c.46G>A on transcript NM_000414.4 (MANE Select); coding-DNA position 46, G replaced by A.
Protein change: p.Gly16Ser; replaces glycine 16 with serine.
Molecular consequence: missense variant. On other transcripts: 5 prime UTR variant (3).
Genome position (GRCh38, 1-based): chr5:119,452,621, G>A. VCF-style: chr5-119452621-G-A. GRCh37 (hg19) VCF-style: chr5-118788316-G-A.
Other names: c.-133G>A (NM_001199291.3); c.46G>A, p.Gly16Ser (NM_001199292.2); c.-92G>A (NM_001292027.2); c.-554G>A (NM_001292028.2); short protein forms G16S.
Identifiers: ClinVar variation 7655 (VCV000007655.100), dbSNP rs137853096, ClinGen allele CA118960.